The following is an entry in ClinVar:

ClinVar aggregate classification (germline): Uncertain significance. Review status: criteria provided, multiple submitters, no conflicts (2 of 4 stars). 2 submissions from 2 submitters: Uncertain significance (2). Last evaluated 2025-08-31.

Conditions:
Inborn genetic diseases. Identifiers: MedGen C0950123, MeSH D030342.

Allele frequency attached by ClinVar (database versions not stated): TOPMed below 0.00001; ExAC 0.00002.
gnomAD v4.1: 22 of 1,611,052 alleles (0.0014%); highest among the groups gnomAD compares: Non-Finnish European, 0.0016%; no homozygotes.

Submissions (2):

Ambry Genetics
Classification: Uncertain significance for Inborn genetic diseases. Last evaluated: 2025-08-31. Review status: criteria provided, single submitter. Criteria: Ambry Variant Classification Scheme 2023. Collection method: clinical testing. Allele origin: germline.

CeGaT Center for Human Genetics Tuebingen
Classification: Uncertain significance. Last evaluated: 2023-11-01. Review status: criteria provided, single submitter. Criteria: CeGaT Center For Human Genetics Tuebingen Variant Classification Criteria Version 2. Collection method: clinical testing. Allele origin: germline. Affected: yes. Observed: 1 variant allele.
Comment: HDAC4: PM2

NM_001378414.1(HDAC4):c.271G>A (p.Ala91Thr)

Gene: HDAC4 (histone deacetylase 4; minus strand). Cytogenetic location: 2q37.3.
Variant type: single nucleotide variant.
Coding change: c.271G>A on transcript NM_001378414.1 (MANE Select); coding-DNA position 271, G replaced by A.
Protein change: p.Ala91Thr; replaces alanine 91 with threonine.
Molecular consequence: missense variant.
Genome position (GRCh38, 1-based): chr2:239,189,901, C>T on the plus strand (G>A on the coding strand, the complement: HDAC4 is on the minus strand). VCF-style: chr2-239189901-C-T. GRCh37 (hg19) VCF-style: chr2-240111597-C-T.
Other names: c.271G>A (NM_006037.3); c.271G>A, p.Ala91Thr (NM_001378415.1, NM_001378416.1, NM_001378417.1 and 1 more transcripts); short protein forms A91T.
Identifiers: ClinVar variation 2672871 (VCV002672871.24), dbSNP rs763704380, ClinGen allele CA2200318.